The following is an entry in ClinVar:

ClinVar aggregate classification (germline): Uncertain significance. Review status: criteria provided, multiple submitters, no conflicts (2 of 4 stars). 2 submissions from 2 submitters: Uncertain significance (2). Last evaluated 2025-08-09.

Conditions:
Inborn genetic diseases. Identifiers: MedGen C0950123, MeSH D030342.

gnomAD v4.1: 9 of 1,612,622 alleles (0.00056%); highest among the groups gnomAD compares: African/African-American, 0.0013%; no homozygotes.

Submissions (2):

Ambry Genetics
Classification: Uncertain significance for Inborn genetic diseases. Last evaluated: 2025-08-09. Review status: criteria provided, single submitter. Criteria: Ambry Variant Classification Scheme 2023. Collection method: clinical testing. Allele origin: germline.

Labcorp Genetics (formerly Invitae), Labcorp
Classification: Uncertain significance. Last evaluated: 2025-01-06. Review status: criteria provided, single submitter. Criteria: Invitae Variant Classification Sherloc (09022015). Collection method: clinical testing. Allele origin: germline.
Comment: This sequence change replaces aspartic acid, which is acidic and polar, with asparagine, which is neutral and polar, at codon 953 of the TBCD protein (p.Asp953Asn). This variant is present in population databases (rs762065623, gnomAD 0.008%). This variant has not been reported in the literature in individuals affected with TBCD-related conditions. Invitae Evidence Modeling of protein sequence and biophysical properties (such as structural, functional, and spatial information, amino acid conservation, physicochemical variation, residue mobility, and thermodynamic stability) has been performed for this missense variant. However, the output from this modeling did not meet the statistical confidence thresholds required to predict the impact of this variant on TBCD protein function. In summary, the available evidence is currently insufficient to determine the role of this variant in disease. Therefore, it has been classified as a Variant of Uncertain Significance.

NM_005993.5(TBCD):c.2857G>A (p.Asp953Asn)

Gene: TBCD (tubulin folding cofactor D). Cytogenetic location: 17q25.3.
Variant type: single nucleotide variant.
Coding change: c.2857G>A on transcript NM_005993.5 (MANE Select); coding-DNA position 2857, G replaced by A.
Protein change: p.Asp953Asn; replaces aspartic acid 953 with asparagine.
Molecular consequence: missense variant.
Genome position (GRCh38, 1-based): chr17:82,929,366, G>A. VCF-style: chr17-82929366-G-A. GRCh37 (hg19) VCF-style: chr17-80887242-G-A.
Other names: c.2857G>A (NM_005993.4); c.2806G>A, p.Asp936Asn (NM_001411101.1); c.2776G>A, p.Asp926Asn (NM_001411102.1); short protein forms D926N, D936N, D953N.
Identifiers: ClinVar variation 3610610 (VCV003610610.3).